The following is an entry in ClinVar:

NM_001851.6(COL9A1):c.599G>C (p.Arg200Thr)

Gene: COL9A1 (collagen type IX alpha 1 chain; minus strand). Cytogenetic location: 6q13.
Variant type: single nucleotide variant.
Coding change: c.599G>C on transcript NM_001851.6 (MANE Select); coding-DNA position 599, G replaced by C.
Protein change: p.Arg200Thr; replaces arginine 200 with threonine.
Molecular consequence: missense variant.
Genome position (GRCh38, 1-based): chr6:70,294,264, C>G on the plus strand (G>C on the coding strand, the complement: COL9A1 is on the minus strand). VCF-style: chr6-70294264-C-G. GRCh37 (hg19) VCF-style: chr6-71003967-C-G.
Other names: c.599G>C, p.Arg200Thr (NM_001377291.1); short protein forms R200T.
Identifiers: ClinVar variation 4992933 (VCV004992933.1).
Genomic context (GRCh38, chr6:70,294,264, plus strand): 5'-AGCACAGCAAAGCCATCAATGTCAATTGGGCCTCTTGGCTTTATAGGTAAAGATTCAATC[C>G]TGTTGCAGTCAACAAAAAGAGTAGCACTACTCCTCTCCACGCCAATCATGATCTTATGCC-3'
Protein context (NP_001842.3, residues 190-210): SSATLFVDCN[Arg200Thr]IESLPIKPRG

ClinVar aggregate classification (germline): Uncertain significance (1 of 4 stars; one submission).

Conditions:
COL9A1-related disorder. Also called: COL9A1-related condition; COL9A1-related disorders.

Submission:

PreventionGenetics, part of Exact Sciences
Classification: Uncertain significance for COL9A1-related condition. Last evaluated: 2026-02-20. Review status: criteria provided, single submitter. Criteria: ACMG Guidelines, 2015. Collection method: clinical testing. Allele origin: germline.
Comment: The COL9A1 c.599G>C variant is predicted to result in the amino acid substitution p.Arg200Thr. To our knowledge, this variant has not been reported in the literature or in a large population database (gnomAD), indicating this variant is rare. At this time, the clinical significance of this variant is uncertain due to the absence of conclusive functional and genetic evidence.